The following is an entry in ClinVar:

NM_001126108.2(SLC12A3):c.366A>G (p.Ala122=)

Gene: SLC12A3 (solute carrier family 12 member 3; plus strand). Cytogenetic location: 16q13.
Variant type: single nucleotide variant.
Coding change: c.366A>G on transcript NM_001126108.2 (MANE Select); coding-DNA position 366, A replaced by G.
Protein change: p.Ala122=; no amino-acid change (alanine 122 retained).
Molecular consequence: synonymous variant.
Genome position (GRCh38, 1-based): chr16:56,867,153, A>G. VCF-style: chr16-56867153-A-G. GRCh37 (hg19) VCF-style: chr16-56901065-A-G.
Other names: p.Ala122=; c.366A>G, p.Ala122= (NM_000339.3); c.363A>G, p.Ala121= (NM_001126107.2).
Identifiers: ClinVar variation 255892 (VCV000255892.25), dbSNP rs2304479, ClinGen allele CA8068997.
Genomic context (GRCh38, chr16:56,867,153, plus strand): 5'-CCTGGCCTTTGACAGCCGGCCCAGCCACGAGATGACTGATGGGCTGGTGGAGGGCGAGGC[A>G]GGCACCAGCAGCGAGAAGAACCCCGAGGAGCCAGTGCGCTTCGGCTGGGTCAAGGGGGTG-3'
Protein context (NP_001119580.2, residues 112-132): EMTDGLVEGE[Ala122=]GTSSEKNPEE

ClinVar aggregate classification (germline): Benign. Review status: criteria provided, multiple submitters, no conflicts (2 of 4 stars). 13 submissions from 13 submitters: Benign (10). 3 of the submissions do not count toward it. Last evaluated 2026-03-23.

Conditions:
Familial hypokalemia-hypomagnesemia (GTLMNS). Also called: gitelman syndrome; HYPOMAGNESEMIA-HYPOKALEMIA, PRIMARY RENOTUBULAR, WITH HYPOCALCIURIA; POTASSIUM AND MAGNESIUM DEPLETION. Identifiers: Orphanet 358, MedGen C0268450, MONDO:0009904, OMIM 263800.

Allele frequency attached by ClinVar (database versions not stated): ESP Exome Variant Server 0.04040; gnomAD 0.05592 and 0.06157; gnomAD exomes 0.06651 and 0.09634; TOPMed 0.06770; ExAC 0.09277; 1000 Genomes Project 0.12161; 1000 Genomes Project 30x 0.12164.
gnomAD v4.1: 106,982 of 1,613,832 alleles (6.6%); highest among the groups gnomAD compares: East Asian, 25%; 5,515 homozygotes.

Submissions (13):

Women's Health and Genetics/Laboratory Corporation of America, LabCorp
Classification: Benign. Last evaluated: 2026-03-23. Review status: criteria provided, single submitter. Criteria: LabCorp Variant Classification Summary - May 2015. Collection method: clinical testing. Allele origin: germline.

Labcorp Genetics (formerly Invitae), Labcorp
Classification: Benign. Last evaluated: 2026-02-04. Review status: criteria provided, single submitter. Criteria: Invitae Variant Classification Sherloc (09022015). Collection method: clinical testing. Allele origin: germline.

Blueprint Genetics
Classification: Benign. Last evaluated: 2024-11-27. Review status: criteria provided, single submitter. Criteria: ACMG Guidelines, 2015. Collection method: clinical testing. Allele origin: germline.

Mayo Clinic Laboratories, Mayo Clinic
Classification: Benign. Last evaluated: 2022-03-09. Review status: criteria provided, single submitter. Criteria: ACMG Guidelines, 2015. Collection method: clinical testing. Allele origin: germline. Observed: 25 variant alleles.

Genome-Nilou Lab
Classification: Benign for Familial hypokalemia-hypomagnesemia. Last evaluated: 2021-07-10. Review status: criteria provided, single submitter. Criteria: ACMG Guidelines, 2015. Collection method: clinical testing. Allele origin: germline. Affected: no.

GeneDx
Classification: Benign. Last evaluated: 2019-08-06. Review status: criteria provided, single submitter. Criteria: GeneDx Variant Classification Process June 2021. Collection method: clinical testing. Allele origin: germline. Affected: yes.

Illumina Laboratory Services, Illumina
Classification: Benign for Familial hypokalemia-hypomagnesemia. Last evaluated: 2018-01-12. Review status: criteria provided, single submitter. Criteria: ICSL Variant Classification Criteria 13 December 2019. Collection method: clinical testing. Allele origin: germline.
Comment: This variant was observed in the ICSL laboratory as part of a predisposition screen in an ostensibly healthy population. It had not been previously curated by ICSL or reported in the Human Gene Mutation Database (HGMD: prior to June 1st, 2018), and was therefore a candidate for classification through an automated scoring system. Utilizing variant allele frequency, disease prevalence and penetrance estimates, and inheritance mode, an automated score was calculated to assess if this variant is too frequent to cause the disease. Based on the score and internal cut-off values, a variant classified as benign is not then subjected to further curation. The score for this variant resulted in a classification of benign for this disease.

Athena Diagnostics
Classification: Benign for Familial hypokalemia-hypomagnesemia. Last evaluated: 2017-06-29. Review status: criteria provided, single submitter. Criteria: Athena Diagnostics Criteria. Collection method: clinical testing. Allele origin: germline.

Breakthrough Genomics
Classification: Benign. Review status: criteria provided, single submitter. Criteria: ACMG Guidelines, 2015. Collection method: not provided. Allele origin: germline. Inheritance: Autosomal recessive inheritance. Affected: yes.

PreventionGenetics, part of Exact Sciences
Classification: Benign. Review status: criteria provided, single submitter. Criteria: ACMG Guidelines, 2015. Collection method: clinical testing. Allele origin: germline.

Natera, Inc.
Classification: Benign for Gitelman syndrome. Last evaluated: 2020-09-16. Review status: no assertion criteria provided. Collection method: clinical testing. Allele origin: germline. Not counted in ClinVar's aggregate classification.

Genome Diagnostics Laboratory, University Medical Center Utrecht
Classification: Benign. Review status: no assertion criteria provided. Collection method: clinical testing. Allele origin: germline. Affected: yes. Study: VKGL Data-share Consensus. Not counted in ClinVar's aggregate classification.

Joint Genome Diagnostic Labs from Nijmegen and Maastricht, Radboudumc and MUMC+
Classification: Benign. Review status: no assertion criteria provided. Collection method: clinical testing. Allele origin: germline. Affected: yes. Study: VKGL Data-share Consensus. Not counted in ClinVar's aggregate classification.